The following is an entry in ClinVar:

ClinVar aggregate classification (germline): Uncertain significance (1 of 4 stars; one submission).

Submission:

Labcorp Genetics (formerly Invitae), Labcorp
Classification: Uncertain significance. Last evaluated: 2021-05-16. Review status: criteria provided, single submitter. Criteria: Invitae Variant Classification Sherloc (09022015). Collection method: clinical testing. Allele origin: germline.
Comment: Nucleotide substitutions within the consensus splice site are a relatively common cause of aberrant splicing (PMID: 17576681, 9536098). Algorithms developed to predict the effect of sequence changes on RNA splicing suggest that this variant is not likely to affect RNA splicing, but this prediction has not been confirmed by published transcriptional studies. In summary, the available evidence is currently insufficient to determine the role of this variant in disease. Therefore, it has been classified as a Variant of Uncertain Significance. This variant has not been reported in the literature in individuals with TBCK-related conditions. This sequence change falls in intron 14 of the TBCK gene. It does not directly change the encoded amino acid sequence of the TBCK protein. It affects a nucleotide within the consensus splice site of the intron. This variant is not present in population databases (ExAC no frequency).

Literature cited by the submitters: PubMed 17576681; PubMed 9536098.

NM_001163435.3(TBCK):c.1350+4T>A

Gene: TBCK (TBC1 domain containing kinase; minus strand). Cytogenetic location: 4q24.
Variant type: single nucleotide variant.
Coding change: c.1350+4T>A on transcript NM_001163435.3 (MANE Select); 4 bases into the intron after coding-DNA position 1350, T replaced by A.
Molecular consequence: intron variant.
Genome position (GRCh38, 1-based): chr4:106,236,386, A>T on the plus strand (T>A on the coding strand, the complement: TBCK is on the minus strand). VCF-style: chr4-106236386-A-T. GRCh37 (hg19) VCF-style: chr4-107157543-A-T.
Other names: c.1350+4T>A (NM_001163436.4); c.1161+4T>A (NM_033115.5); c.1233+4T>A (NM_001163437.3); c.834+4T>A (NM_001290768.2).
Identifiers: ClinVar variation 1354105 (VCV001354105.6), dbSNP rs2150009965, ClinGen allele CA2573137925.